The following is an entry in ClinVar:

NM_004766.3(COPB2):c.2445T>G (p.His815Gln)

Gene: COPB2 (COPI coat complex subunit beta 2; minus strand). Cytogenetic location: 3q23.
Variant type: single nucleotide variant.
Coding change: c.2445T>G on transcript NM_004766.3 (MANE Select); coding-DNA position 2445, T replaced by G.
Protein change: p.His815Gln; replaces histidine 815 with glutamine.
Molecular consequence: missense variant. On other transcripts: non-coding transcript variant (1).
Genome position (GRCh38, 1-based): chr3:139,359,037, A>C on the plus strand (T>G on the coding strand, the complement: COPB2 is on the minus strand). VCF-style: chr3-139359037-A-C. GRCh37 (hg19) VCF-style: chr3-139077879-A-C.
Other names: c.2358T>G, p.His786Gln (NM_001410834.1); short protein forms H815Q, H786Q.
Identifiers: ClinVar variation 2048309 (VCV002048309.1), dbSNP rs765417878, ClinGen allele CA2641057.

ClinVar aggregate classification (germline): Uncertain significance (1 of 4 stars; one submission).

Allele frequency attached by ClinVar (database versions not stated): ExAC 0.00001; TOPMed 0.00004; gnomAD 0.00012.
gnomAD v4.1: 30 of 1,613,952 alleles (0.0019%); highest among the groups gnomAD compares: Admixed American, 0.028%; 1 homozygote.

Submission:

Labcorp Genetics (formerly Invitae), Labcorp
Classification: Uncertain significance. Last evaluated: 2022-05-24. Review status: criteria provided, single submitter. Criteria: Invitae Variant Classification Sherloc (09022015). Collection method: clinical testing. Allele origin: germline.
Comment: This sequence change replaces histidine, which is basic and polar, with glutamine, which is neutral and polar, at codon 815 of the COPB2 protein (p.His815Gln). This variant is present in population databases (rs765417878, gnomAD 0.002%). This variant has not been reported in the literature in individuals affected with COPB2-related conditions. Algorithms developed to predict the effect of missense changes on protein structure and function (SIFT, PolyPhen-2, Align-GVGD) all suggest that this variant is likely to be tolerated. In summary, the available evidence is currently insufficient to determine the role of this variant in disease. Therefore, it has been classified as a Variant of Uncertain Significance.